The following is an entry in ClinVar:

NM_007294.4(BRCA1):c.3096A>T (p.Arg1032Ser)

Gene: BRCA1 (BRCA1 DNA repair associated; minus strand). Cytogenetic location: 17q21.31.
Variant type: single nucleotide variant.
Coding change: c.3096A>T on transcript NM_007294.4 (MANE Select); coding-DNA position 3096, A replaced by T.
Protein change: p.Arg1032Ser; replaces arginine 1032 with serine.
Molecular consequence: missense variant. On other transcripts: intron variant (137).
Genome position (GRCh38, 1-based): chr17:43,092,435, T>A on the plus strand (A>T on the coding strand, the complement: BRCA1 is on the minus strand). VCF-style: chr17-43092435-T-A. GRCh37 (hg19) VCF-style: chr17-41244452-T-A.
Other names: c.647-1403A>T (NM_001408467.1, NM_001408459.1, NM_001408410.1 and 11 more transcripts); c.785-1403A>T (NM_001407986.1, NM_001407972.1, NM_001408401.1 and 13 more transcripts); c.665-1403A>T (NM_001408441.1, NM_001408437.1, NM_001408429.1 and 12 more transcripts); c.3087A>T, p.Arg1029Ser (NM_001407646.1, NM_001407647.1); c.584-1403A>T (NM_001408475.1); c.2973A>T, p.Arg991Ser (NM_001407648.1, NM_001407664.1, NM_001407667.1 and 19 more transcripts); c.710-1403A>T (NM_001408412.1, NM_001408415.1, NM_001408409.1 and 2 more transcripts); c.452-1403A>T (NM_001408509.1, NM_001408508.1); and 41 more; short protein forms R1031S, R1032S, R736S, R864S, R920S, R944S, R962S, R984S.
Identifiers: ClinVar variation 3634657 (VCV003634657.2).
Genomic context (GRCh38, chr17:43,092,435, plus strand): 5'-ATTAGTACTGGAACCTACTTCATTAATATTGCTTGAGCTGGCTTCTTTAAAAACATTTTC[T>A]CTAATGTTATTACGGCTAATTGTGCTCACTGTACTTGGAATGTTCTCATTTCCCATTTCT-3'
Protein context (NP_009225.1, residues 1022-1042): TVSTISRNNI[Arg1032Ser]ENVFKEASSS

ClinVar aggregate classification (germline): Uncertain significance (1 of 4 stars; one submission).

Conditions:
Hereditary breast ovarian cancer syndrome. Also called: Hereditary breast and ovarian cancer syndrome; Hereditary breast and ovarian cancer syndrome (HBOC); BRCA1- and BRCA2-Associated Hereditary Breast and Ovarian Cancer; Hereditary breast and ovarian cancer; Breast and ovarian cancer; Hereditary breast and/or ovarian cancer syndrome. Identifiers: Orphanet 145, MedGen C0677776, MeSH D061325, MONDO:0003582. Disease mechanism: loss of function.

Submission:

Labcorp Genetics (formerly Invitae), Labcorp
Classification: Uncertain significance for Hereditary breast ovarian cancer syndrome. Last evaluated: 2024-10-16. Review status: criteria provided, single submitter. Criteria: Invitae Variant Classification Sherloc (09022015). Collection method: clinical testing. Allele origin: germline.
Comment: This sequence change replaces arginine, which is basic and polar, with serine, which is neutral and polar, at codon 1032 of the BRCA1 protein (p.Arg1032Ser). This variant is not present in population databases (gnomAD no frequency). This variant has not been reported in the literature in individuals affected with BRCA1-related conditions. Invitae Evidence Modeling of protein sequence and biophysical properties (such as structural, functional, and spatial information, amino acid conservation, physicochemical variation, residue mobility, and thermodynamic stability) indicates that this missense variant is not expected to disrupt BRCA1 protein function with a negative predictive value of 80%. In summary, the available evidence is currently insufficient to determine the role of this variant in disease. Therefore, it has been classified as a Variant of Uncertain Significance.